The following is an entry in ClinVar:

ClinVar aggregate classification (germline): Benign/Likely benign. Review status: criteria provided, multiple submitters, no conflicts (2 of 4 stars). 3 submissions from 3 submitters: Benign (2); Likely benign (1). Last evaluated 2025-07-14.

Conditions:
Hypertrophic cardiomyopathy 26. Also called: Cardiomyopathy, familial hypertrophic, 26. Identifiers: Orphanet 75249, MedGen C4310749, MONDO:0014883, OMIM 617047.
Myofibrillar myopathy 5. Also called: Filaminopathy (type); FILAMINOPATHY, AUTOSOMAL DOMINANT. Identifiers: Orphanet 171445, MedGen C1836050, MONDO:0012289, OMIM 609524.
Distal myopathy with posterior leg and anterior hand involvement. Also called: WILLIAMS DISTAL MYOPATHY. Identifiers: Orphanet 63273, MedGen C3279722, MONDO:0013550, OMIM 614065.

Allele frequency attached by ClinVar (database versions not stated): gnomAD below 0.00001 and 0.00005; TOPMed below 0.00001; gnomAD exomes 0.00014 and 0.00018; 1000 Genomes Project 30x 0.00016; 1000 Genomes Project 0.00020; ExAC 0.00039.
gnomAD v4.1: 186 of 1,501,064 alleles (0.012%); highest among the groups gnomAD compares: South Asian, 0.16%; no homozygotes.

Submissions (3):

Labcorp Genetics (formerly Invitae), Labcorp
Classification: Benign for Distal myopathy with posterior leg and anterior hand involvement; Myofibrillar myopathy 5; Hypertrophic cardiomyopathy 26. Last evaluated: 2025-07-14. Review status: criteria provided, single submitter. Criteria: Invitae Variant Classification Sherloc (09022015). Collection method: clinical testing. Allele origin: germline.

Blueprint Genetics
Classification: Likely benign. Last evaluated: 2024-09-18. Review status: criteria provided, single submitter. Criteria: ACMG Guidelines, 2015. Collection method: clinical testing. Allele origin: germline.

CeGaT Center for Human Genetics Tuebingen
Classification: Benign. Last evaluated: 2022-07-01. Review status: criteria provided, single submitter. Criteria: CeGaT Center For Human Genetics Tuebingen Variant Classification Criteria Version 2. Collection method: clinical testing. Allele origin: germline. Affected: yes. Observed: 2 variant alleles.
Comment: FLNC: BS1, BS2

NM_001458.5(FLNC):c.7781-9A>G

Genes: FLNC (filamin C; plus strand), FLNC-AS1 (FLNC antisense RNA 1; minus strand). Cytogenetic location: 7q32.1.
Variant type: single nucleotide variant.
Coding change: c.7781-9A>G on transcript NM_001458.5 (MANE Select); 9 bases into the intron before coding-DNA position 7781, A replaced by G.
Molecular consequence: intron variant.
Genome position (GRCh38, 1-based): chr7:128,857,999, A>G. VCF-style: chr7-128857999-A-G. GRCh37 (hg19) VCF-style: chr7-128498053-A-G.
Other names: c.7682-9A>G (NM_001127487.2).
Identifiers: ClinVar variation 703451 (VCV000703451.38), dbSNP rs531760477, ClinGen allele CA4476364.